The following is an entry in ClinVar:

NM_001367561.1(DOCK7):c.*155C>T

Gene: DOCK7 (dedicator of cytokinesis 7; minus strand). Cytogenetic location: 1p31.3.
Variant type: single nucleotide variant.
Coding change: c.*155C>T on transcript NM_001367561.1 (MANE Select); 155 bases downstream of the stop codon, C replaced by T.
Molecular consequence: 3 prime UTR variant.
Genome position (GRCh38, 1-based): chr1:62,455,259, G>A on the plus strand (C>T on the coding strand, the complement: DOCK7 is on the minus strand). VCF-style: chr1-62455259-G-A. GRCh37 (hg19) VCF-style: chr1-62920930-G-A.
Other names: c.*155C>T (NM_001271999.2, NM_001272000.2, NM_001272001.2 and 2 more transcripts).
Identifiers: ClinVar variation 2430657 (VCV002430657.1), dbSNP rs79913813, ClinGen allele CA885175.

ClinVar aggregate classification (germline): Likely benign (1 of 4 stars; one submission).

Allele frequency attached by ClinVar (database versions not stated): gnomAD 0.00042; ExAC 0.00047; TOPMed 0.00050; 1000 Genomes Project 30x 0.00109; 1000 Genomes Project 0.00120.

Submission:

GeneDx
Classification: Likely benign. Last evaluated: 2021-09-11. Review status: criteria provided, single submitter. Criteria: GeneDx Variant Classification Process June 2021. Collection method: clinical testing. Allele origin: germline. Affected: yes.
Comment: See Variant Classification Assertion Criteria.